The following is an entry in ClinVar:

NM_147127.5(EVC2):c.295C>T (p.Leu99Phe)

Gene: EVC2 (EvC ciliary complex subunit 2; minus strand). Cytogenetic location: 4p16.2.
Variant type: single nucleotide variant.
Coding change: c.295C>T on transcript NM_147127.5 (MANE Select); coding-DNA position 295, C replaced by T.
Protein change: p.Leu99Phe; replaces leucine 99 with phenylalanine.
Molecular consequence: missense variant.
Genome position (GRCh38, 1-based): chr4:5,694,490, G>A on the plus strand (C>T on the coding strand, the complement: EVC2 is on the minus strand). VCF-style: chr4-5694490-G-A. GRCh37 (hg19) VCF-style: chr4-5696217-G-A.
Other names: c.55C>T, p.Leu19Phe (NM_001166136.2); short protein forms L19F, L99F.
Identifiers: ClinVar variation 1351931 (VCV001351931.6), dbSNP rs897972159, ClinGen allele CA91723499.

ClinVar aggregate classification (germline): Uncertain significance (1 of 4 stars; one submission).

Conditions:
Ellis-van Creveld syndrome (EVC). Also called: Chondroectodermal dysplasia; EVC-Related Ellis-van Creveld Syndrome; EVC2-Related Ellis-van Creveld Syndrome; MESOECTODERMAL DYSPLASIA. Identifiers: Orphanet 289, MedGen C0013903, MONDO:0009162, OMIM 225500.
Curry-Hall syndrome (WAD). Also called: WEYERS ACRODENTAL DYSOSTOSIS. Identifiers: Orphanet 952, MedGen C0457013, MONDO:0008673, OMIM 193530.

Allele frequency attached by ClinVar (database versions not stated): gnomAD exomes below 0.00001; gnomAD 0.00001.
gnomAD v4.1: 5 of 1,614,196 alleles (0.00031%); highest among the groups gnomAD compares: African/African-American, 0.004%; no homozygotes.

Submission:

Labcorp Genetics (formerly Invitae), Labcorp
Classification: Uncertain significance for Curry-Hall syndrome; Ellis-van Creveld syndrome. Last evaluated: 2022-09-12. Review status: criteria provided, single submitter. Criteria: Invitae Variant Classification Sherloc (09022015). Collection method: clinical testing. Allele origin: germline.
Comment: This sequence change replaces leucine, which is neutral and non-polar, with phenylalanine, which is neutral and non-polar, at codon 99 of the EVC2 protein (p.Leu99Phe). This variant is not present in population databases (gnomAD no frequency). This variant has not been reported in the literature in individuals affected with EVC2-related conditions. ClinVar contains an entry for this variant (Variation ID: 1351931). Algorithms developed to predict the effect of missense changes on protein structure and function output the following: SIFT: "Tolerated"; PolyPhen-2: "Benign"; Align-GVGD: "Class C0". The phenylalanine amino acid residue is found in multiple mammalian species, which suggests that this missense change does not adversely affect protein function. In summary, the available evidence is currently insufficient to determine the role of this variant in disease. Therefore, it has been classified as a Variant of Uncertain Significance.